The following is an entry in ClinVar:

NM_001127649.3(PEX26):c.*692T>C

Gene: PEX26 (peroxisomal biogenesis factor 26; plus strand). Cytogenetic location: 22q11.21.
Variant type: single nucleotide variant.
Coding change: c.*692T>C on transcript NM_001127649.3 (MANE Select); 692 bases downstream of the stop codon, T replaced by C.
Molecular consequence: 3 prime UTR variant.
Genome position (GRCh38, 1-based): chr22:18,088,767, T>C. VCF-style: chr22-18088767-T-C. GRCh37 (hg19) VCF-style: chr22-18571533-T-C.
Other names: c.*692T>C (NM_001199319.2, NM_017929.6).
Identifiers: ClinVar variation 340768 (VCV000340768.5), dbSNP rs79936154, ClinGen allele CA10653201.

ClinVar aggregate classification (germline): Benign (1 of 4 stars; one submission).

Conditions:
Peroxisome biogenesis disorder 7A (Zellweger). Also called: Peroxisome biogenesis disorder 7A. Identifiers: Orphanet 912, MedGen C3888385, MONDO:0013938, OMIM 614872.

Allele frequency attached by ClinVar (database versions not stated): gnomAD exomes 0.00090; gnomAD 0.01714 and 0.01840; TOPMed 0.01914; 1000 Genomes Project 0.01977; 1000 Genomes Project 30x 0.01983.
gnomAD v4.1: 2,593 of 168,564 alleles (1.5%); highest among the groups gnomAD compares: African/African-American, 5.8%; 65 homozygotes.

Submission:

Illumina Laboratory Services, Illumina
Classification: Benign for Peroxisome biogenesis disorder 7A (Zellweger). Last evaluated: 2018-01-12. Review status: criteria provided, single submitter. Criteria: ICSL Variant Classification Criteria 13 December 2019. Collection method: clinical testing. Allele origin: germline.
Comment: This variant was observed in the ICSL laboratory as part of a predisposition screen in an ostensibly healthy population. It had not been previously curated by ICSL or reported in the Human Gene Mutation Database (HGMD: prior to June 1st, 2018), and was therefore a candidate for classification through an automated scoring system. Utilizing variant allele frequency, disease prevalence and penetrance estimates, and inheritance mode, an automated score was calculated to assess if this variant is too frequent to cause the disease. Based on the score and internal cut-off values, a variant classified as benign is not then subjected to further curation. The score for this variant resulted in a classification of benign for this disease.